The following is an entry in ClinVar:

NM_001283009.2(RTEL1):c.2384A>G (p.His795Arg)

Genes: RTEL1 (regulator of telomere elongation helicase 1; plus strand), RTEL1-TNFRSF6B (RTEL1-TNFRSF6B readthrough (NMD candidate); plus strand). Cytogenetic location: 20q13.33.
Variant type: single nucleotide variant.
Coding change: c.2384A>G on transcript NM_001283009.2 (MANE Select); coding-DNA position 2384, A replaced by G.
Protein change: p.His795Arg; replaces histidine 795 with arginine.
Molecular consequence: missense variant. On other transcripts: non-coding transcript variant (1).
Genome position (GRCh38, 1-based): chr20:63,690,412, A>G. VCF-style: chr20-63690412-A-G. GRCh37 (hg19) VCF-style: chr20-62321765-A-G.
Other names: c.1715A>G, p.His572Arg (NM_001283010.1); c.2384A>G, p.His795Arg (NM_016434.4); c.2456A>G, p.His819Arg (NM_032957.5); short protein forms H572R, H795R, H819R.
Identifiers: ClinVar variation 1360448 (VCV001360448.9), dbSNP rs2145432169, ClinGen allele CA409681173.

ClinVar aggregate classification (germline): Uncertain significance. Review status: criteria provided, multiple submitters, no conflicts (2 of 4 stars). 2 submissions from 2 submitters: Uncertain significance (2). Last evaluated 2026-07-25.

Conditions:
Inborn genetic diseases. Identifiers: MedGen C0950123, MeSH D030342.
Pulmonary fibrosis and/or bone marrow failure, Telomere-related, 3. Also called: PULMONARY FIBROSIS AND/OR BONE MARROW FAILURE SYNDROME, TELOMERE-RELATED, 3. Identifiers: Orphanet 2032, MedGen C4225346, MONDO:0014613, OMIM 616373.
Dyskeratosis congenita, autosomal recessive 5 (DKCB5). Identifiers: MedGen C3554656, MONDO:0014076, OMIM 615190.

Allele frequency attached by ClinVar (database versions not stated): gnomAD exomes below 0.00001.
gnomAD v4.1: 1 of 1,435,250 alleles (0.00007%); highest among the groups gnomAD compares: Non-Finnish European, 0.000094%; no homozygotes.

Submissions (2):

Ambry Genetics
Classification: Uncertain significance for Inborn genetic diseases. Last evaluated: 2026-07-25. Review status: criteria provided, single submitter. Criteria: Ambry Variant Classification Scheme 2023. Collection method: clinical testing. Allele origin: germline.
Comment: The p.H795R variant (also known as c.2384A>G), located in coding exon 25 of the RTEL1 gene, results from an A to G substitution at nucleotide position 2384. The histidine at codon 795 is replaced by arginine, an amino acid with highly similar properties. This amino acid position is conserved. In addition, this alteration is predicted to be tolerated by in silico analysis. Based on the available evidence, the clinical significance of this variant remains unclear.

Labcorp Genetics (formerly Invitae), Labcorp
Classification: Uncertain significance for Dyskeratosis congenita, autosomal recessive 5; Pulmonary fibrosis and/or bone marrow failure, Telomere-related, 3. Last evaluated: 2021-06-12. Review status: criteria provided, single submitter. Criteria: Invitae Variant Classification Sherloc (09022015). Collection method: clinical testing. Allele origin: germline.
Comment: This sequence change replaces histidine with arginine at codon 795 of the RTEL1 protein (p.His795Arg). The histidine residue is moderately conserved and there is a small physicochemical difference between histidine and arginine. This variant is not present in population databases (ExAC no frequency). This variant has not been reported in the literature in individuals with RTEL1-related conditions. Algorithms developed to predict the effect of missense changes on protein structure and function are either unavailable or do not agree on the potential impact of this missense change (SIFT: "Tolerated"; PolyPhen-2: "Probably Damaging"; Align-GVGD: "Class C0"). In summary, the available evidence is currently insufficient to determine the role of this variant in disease. Therefore, it has been classified as a Variant of Uncertain Significance.